The following is an entry in ClinVar:

NM_001429.4(EP300):c.3352G>A (p.Val1118Ile)

Gene: EP300 (EP300 lysine acetyltransferase; plus strand). Cytogenetic location: 22q13.2.
Variant type: single nucleotide variant.
Coding change: c.3352G>A on transcript NM_001429.4 (MANE Select); coding-DNA position 3352, G replaced by A.
Protein change: p.Val1118Ile; replaces valine 1118 with isoleucine.
Molecular consequence: missense variant.
Genome position (GRCh38, 1-based): chr22:41,157,259, G>A. VCF-style: chr22-41157259-G-A. GRCh37 (hg19) VCF-style: chr22-41553263-G-A.
Other names: c.3352G>A (NM_001429.3); c.3274G>A, p.Val1092Ile (NM_001362843.2); short protein forms V1118I, V1092I.
Identifiers: ClinVar variation 2716024 (VCV002716024.4), dbSNP rs368486518, ClinGen allele CA10253108.

ClinVar aggregate classification (germline): Likely benign. Review status: criteria provided, single submitter (1 of 4 stars). 2 submissions from 2 submitters: Likely benign (1). 1 of the submissions does not count toward it. Last evaluated 2023-12-30.

Conditions:
EP300-related disorder. Also called: EP300-related condition; EP300-related disorders.
Rubinstein-Taybi syndrome due to EP300 haploinsufficiency. Also called: RUBINSTEIN-TAYBI SYNDROME 2; EP300-Related Rubinstein-Taybi Syndrome. Identifiers: Orphanet 353284, Orphanet 783, MedGen C3150941, MONDO:0013364, OMIM 613684.

Allele frequency attached by ClinVar (database versions not stated): gnomAD exomes 0.00003; ExAC 0.00004; TOPMed 0.00006; ESP Exome Variant Server 0.00008; gnomAD 0.00011.
gnomAD v4.1: 64 of 1,614,028 alleles (0.004%); highest among the groups gnomAD compares: African/African-American, 0.008%; no homozygotes.

Submissions (2):

Labcorp Genetics (formerly Invitae), Labcorp
Classification: Likely benign for Rubinstein-Taybi syndrome due to EP300 haploinsufficiency. Last evaluated: 2023-12-30. Review status: criteria provided, single submitter. Criteria: Invitae Variant Classification Sherloc (09022015). Collection method: clinical testing. Allele origin: germline.

PreventionGenetics, part of Exact Sciences
Classification: Likely benign for EP300-related condition. Last evaluated: 2024-02-01. Review status: no assertion criteria provided. Collection method: clinical testing. Allele origin: germline. Not counted in ClinVar's aggregate classification.
Comment: This variant is classified as likely benign based on ACMG/AMP sequence variant interpretation guidelines (Richards et al. 2015 PMID: 25741868, with internal and published modifications).